The following is an entry in ClinVar:

NM_000334.4(SCN4A):c.3313G>T (p.Val1105Leu)

Genes: GH-LCR (growth hormone locus control region; plus strand), SCN4A (sodium voltage-gated channel alpha subunit 4; minus strand). Cytogenetic location: 17q23.3.
Variant type: single nucleotide variant.
Coding change: c.3313G>T on transcript NM_000334.4 (MANE Select); coding-DNA position 3313, G replaced by T.
Protein change: p.Val1105Leu; replaces valine 1105 with leucine.
Molecular consequence: missense variant.
Genome position (GRCh38, 1-based): chr17:63,947,895, C>A on the plus strand (G>T on the coding strand, the complement: SCN4A is on the minus strand). VCF-style: chr17-63947895-C-A. GRCh37 (hg19) VCF-style: chr17-62025255-C-A.
Other names: short protein forms V1105L.
Identifiers: ClinVar variation 2071221 (VCV002071221.4), dbSNP rs756884948, ClinGen allele CA8709328.

ClinVar aggregate classification (germline): Uncertain significance (1 of 4 stars; one submission).

Conditions:
Hyperkalemic periodic paralysis. Also called: Familial hyperkalemic periodic paralysis; Gamstorp disease. Identifiers: Orphanet 682, MedGen C0238357, MONDO:0008224, OMIM 170500, HP:0007215.

Allele frequency attached by ClinVar (database versions not stated): ExAC 0.00001.
gnomAD v4.1: 17 of 1,613,288 alleles (0.0011%); highest among the groups gnomAD compares: Non-Finnish European, 0.0014%; no homozygotes.

Submission:

Labcorp Genetics (formerly Invitae), Labcorp
Classification: Uncertain significance for Hyperkalemic periodic paralysis. Last evaluated: 2022-06-13. Review status: criteria provided, single submitter. Criteria: Invitae Variant Classification Sherloc (09022015). Collection method: clinical testing. Allele origin: germline.
Comment: This sequence change replaces valine, which is neutral and non-polar, with leucine, which is neutral and non-polar, at codon 1105 of the SCN4A protein (p.Val1105Leu). The frequency data for this variant in the population databases is considered unreliable, as metrics indicate poor data quality at this position in the gnomAD database. This variant has not been reported in the literature in individuals affected with SCN4A-related conditions. Algorithms developed to predict the effect of missense changes on protein structure and function (SIFT, PolyPhen-2, Align-GVGD) all suggest that this variant is likely to be disruptive. In summary, the available evidence is currently insufficient to determine the role of this variant in disease. Therefore, it has been classified as a Variant of Uncertain Significance.